The following is an entry in ClinVar:

NM_000142.5(FGFR3):c.739+21C>T

Gene: FGFR3 (fibroblast growth factor receptor 3; plus strand). Cytogenetic location: 4p16.3.
Variant type: single nucleotide variant.
Coding change: c.739+21C>T on transcript NM_000142.5 (MANE Select); 21 bases into the intron after coding-DNA position 739, C replaced by T.
Molecular consequence: intron variant.
Genome position (GRCh38, 1-based): chr4:1,801,764, C>T. VCF-style: chr4-1801764-C-T. GRCh37 (hg19) VCF-style: chr4-1803491-C-T.
Other names: c.739+21C>T (NM_001163213.2, NM_001354809.2, NM_001354810.2 and 1 more transcripts).
Identifiers: ClinVar variation 4880830 (VCV004880830.2).
Genomic context (GRCh38, chr4:1,801,764, plus strand): 5'-TTTGGCAGCATCCGGCAGACGTACACGCTGGACGTGCTGGGTGAGGGCCCTGGGGCGGCG[C>T]GGGGGTGGGGGCGGCAGTGGCGGTGGTGGTGAGGGAGGGGGTGGCCCCTGAGCGTCATCT-3'

ClinVar aggregate classification (germline): Uncertain significance (1 of 4 stars; one submission).

gnomAD v4.1: 116 of 961,326 alleles (0.012%); highest among the groups gnomAD compares: Non-Finnish European, 0.016%; no homozygotes.

Submission:

Dasa
Classification: Uncertain significance. Last evaluated: 2025-12-12. Review status: criteria provided, single submitter. Criteria: DASA Assertion Criteria. Collection method: clinical testing. Allele origin: germline.
Comment: NM_000142.5(FGFR3):c.739+21C>T is an intronic variant. This variant is rare in population databases. The currently available literature and clinical evidence are not sufficient to establish a definitive association between this variant and the reported condition. Therefore, this variant is classified as a variant of uncertain significance.